The following is an entry in ClinVar:

NM_020708.5(SLC12A5):c.115G>T (p.Glu39Ter)

Gene: SLC12A5 (solute carrier family 12 member 5; plus strand). Cytogenetic location: 20q13.12.
Variant type: single nucleotide variant.
Coding change: c.115G>T on transcript NM_020708.5 (MANE Select); coding-DNA position 115, G replaced by T.
Protein change: p.Glu39Ter; replaces glutamic acid 39 with a stop codon.
Molecular consequence: nonsense.
Genome position (GRCh38, 1-based): chr20:46,035,010, G>T. VCF-style: chr20-46035010-G-T. GRCh37 (hg19) VCF-style: chr20-44663649-G-T.
Other names: c.184G>T, p.Glu62Ter (NM_001134771.2); short protein forms E39*, E62*.
Identifiers: ClinVar variation 659657 (VCV000659657.7), dbSNP rs1600590580, ClinGen allele CA409186982.

ClinVar aggregate classification (germline): Pathogenic (1 of 4 stars; one submission).

Conditions:
Developmental and epileptic encephalopathy, 34 (DEE34). Also called: Early infantile epileptic encephalopathy 34; SLC12A5-Related Epilepsy of Infancy with Migrating Focal Seizures. Identifiers: Orphanet 293181, MedGen C4225257, MONDO:0014718, OMIM 616645.

Submission:

Labcorp Genetics (formerly Invitae), Labcorp
Classification: Pathogenic for Developmental and epileptic encephalopathy, 34. Last evaluated: 2018-07-31. Review status: criteria provided, single submitter. Criteria: Invitae Variant Classification Sherloc (09022015). Collection method: clinical testing. Allele origin: germline.
Comment: Loss-of-function variants in SLC12A5 are known to be pathogenic (PMID: 26333769, 27436767). For these reasons, this variant has been classified as Pathogenic. This variant has not been reported in the literature in individuals with SLC12A5-related disease. This variant is not present in population databases (ExAC no frequency). This sequence change creates a premature translational stop signal (p.Glu39*) in the SLC12A5 gene. It is expected to result in an absent or disrupted protein product.

Literature cited by the submitters: PubMed 26333769; PubMed 27436767.